The following is an entry in ClinVar:

NM_006946.4(SPTBN2):c.3079G>T (p.Ala1027Ser)

Gene: SPTBN2 (spectrin beta, non-erythrocytic 2; minus strand). Cytogenetic location: 11q13.2.
Variant type: single nucleotide variant.
Coding change: c.3079G>T on transcript NM_006946.4 (MANE Select); coding-DNA position 3079, G replaced by T.
Protein change: p.Ala1027Ser; replaces alanine 1027 with serine.
Molecular consequence: missense variant.
Genome position (GRCh38, 1-based): chr11:66,701,020, C>A on the plus strand (G>T on the coding strand, the complement: SPTBN2 is on the minus strand). VCF-style: chr11-66701020-C-A. GRCh37 (hg19) VCF-style: chr11-66468491-C-A.
Other names: c.3100G>T, p.Ala1034Ser (NM_001411025.1); short protein forms A1027S, A1034S.
Identifiers: ClinVar variation 2841426 (VCV002841426.3), dbSNP rs2496168987, ClinGen allele CA381475817.

ClinVar aggregate classification (germline): Uncertain significance (1 of 4 stars; one submission).

Submission:

Labcorp Genetics (formerly Invitae), Labcorp
Classification: Uncertain significance. Last evaluated: 2023-04-06. Review status: criteria provided, single submitter. Criteria: Invitae Variant Classification Sherloc (09022015). Collection method: clinical testing. Allele origin: germline.
Comment: This sequence change replaces alanine, which is neutral and non-polar, with serine, which is neutral and polar, at codon 1027 of the SPTBN2 protein (p.Ala1027Ser). In summary, the available evidence is currently insufficient to determine the role of this variant in disease. Therefore, it has been classified as a Variant of Uncertain Significance. Advanced modeling of protein sequence and biophysical properties (such as structural, functional, and spatial information, amino acid conservation, physicochemical variation, residue mobility, and thermodynamic stability) performed at Invitae indicates that this missense variant is not expected to disrupt SPTBN2 protein function. This variant has not been reported in the literature in individuals affected with SPTBN2-related conditions. This variant is not present in population databases (gnomAD no frequency).